The following is an entry in ClinVar:

NM_001142800.2(EYS):c.5417del (p.Thr1806fs)

Gene: EYS (EGF-like photoreceptor maintenance factor; minus strand). Cytogenetic location: 6q12.
Variant type: Deletion.
Coding change: c.5417del on transcript NM_001142800.2 (MANE Select); coding-DNA position 5417, one base deleted (C; older notation c.5417delC).
Protein change: p.Thr1806fs; shifts the reading frame from threonine 1806.
Molecular consequence: frameshift variant.
Genome position (GRCh38, 1-based): chr6:64,590,450, G deleted on the plus strand (C on the coding strand, the reverse complement: EYS is on the minus strand). VCF-style (leftmost placement, unchanged base first): chr6-64590449-CG-C. GRCh37 (hg19) VCF-style: chr6-65300342-CG-C.
Other names: c.5417del, p.Thr1806fs (NM_001292009.2); short protein forms T1806fs.
Identifiers: ClinVar variation 2855919 (VCV002855919.3), dbSNP rs2533149418, ClinGen allele CA2739273166.
Genomic context (GRCh38, chr6:64,590,449, plus strand): 5'-AGAGGTCATATAATCTGTAAAATATGGCCAATCTGGCCTAATTACAGACATGGAGGAAGA[CG>C]TCTGTATTGAAAGTGCTGGAGTTGCTGAAACTGTATAAAATGCAACATTGGTGGTGACTT-3'

ClinVar aggregate classification (germline): Pathogenic (1 of 4 stars; one submission).

Submission:

Labcorp Genetics (formerly Invitae), Labcorp
Classification: Pathogenic. Last evaluated: 2023-04-13. Review status: criteria provided, single submitter. Criteria: Invitae Variant Classification Sherloc (09022015). Collection method: clinical testing. Allele origin: germline.
Comment: This sequence change creates a premature translational stop signal (p.Thr1806Serfs*7) in the EYS gene. It is expected to result in an absent or disrupted protein product. Loss-of-function variants in EYS are known to be pathogenic (PMID: 18836446, 20333770). For these reasons, this variant has been classified as Pathogenic. This variant has not been reported in the literature in individuals affected with EYS-related conditions. This variant is not present in population databases (gnomAD no frequency).

Literature cited by the submitters: PubMed 18836446; PubMed 20333770.